The following is an entry in ClinVar:

NM_004606.5(TAF1):c.986_991del (p.Ile329_Asp330del)

Gene: TAF1 (TATA-box binding protein associated factor 1; plus strand). Cytogenetic location: Xq13.1.
Variant type: Deletion.
Coding change: c.986_991del on transcript NM_004606.5 (MANE Select); coding-DNA positions 986 to 991, 6 bases deleted (TAGATA; older notation c.986_991delTAGATA).
Protein change: p.Ile329_Asp330del.
Molecular consequence: inframe deletion. On other transcripts: non-coding transcript variant (9).
Genome position (GRCh38, 1-based): chrX:71,378,287-71,378,292, TAGATA deleted; deleting any 6 consecutive bases within chrX:71,378,282-71,378,292 gives the same sequence; the c. name uses the placement nearest the transcript's 3' end. VCF-style (leftmost placement, unchanged base first): chrX-71378281-GAGATAT-G. GRCh37 (hg19) VCF-style: chrX-70598131-GAGATAT-G.
Other names: c.1046_1051delTAGATA (NM_004606.3); c.986_991del, p.Ile329_Asp330del (NM_001286074.2); c.923_928del, p.Ile308_Asp309del (NM_138923.4).
Identifiers: ClinVar variation 429496 (VCV000429496.5), dbSNP rs1131691413, ClinGen allele CA641914710.

ClinVar aggregate classification (germline): Uncertain significance (1 of 4 stars; one submission).

Submission:

GeneDx
Classification: Uncertain significance. Last evaluated: 2023-04-24. Review status: criteria provided, single submitter. Criteria: GeneDx Variant Classification Process June 2021. Collection method: clinical testing. Allele origin: germline. Affected: yes.
Comment: In-frame deletion of 2 amino acids in a non-repeat region; In silico analysis supports a deleterious effect on protein structure/function; Has not been previously published as pathogenic or benign to our knowledge